The following is an entry in ClinVar:

NM_007294.4(BRCA1):c.2215A>C (p.Lys739Gln)

Gene: BRCA1 (BRCA1 DNA repair associated; minus strand). Cytogenetic location: 17q21.31.
Variant type: single nucleotide variant.
Coding change: c.2215A>C on transcript NM_007294.4 (MANE Select); coding-DNA position 2215, A replaced by C.
Protein change: p.Lys739Gln; replaces lysine 739 with glutamine.
Molecular consequence: missense variant. On other transcripts: intron variant (137).
Genome position (GRCh38, 1-based): chr17:43,093,316, T>G on the plus strand (A>C on the coding strand, the complement: BRCA1 is on the minus strand). VCF-style: chr17-43093316-T-G. GRCh37 (hg19) VCF-style: chr17-41245333-T-G.
Other names: c.1834A>C, p.Lys612Gln (NM_001407963.1, NM_001407959.1, NM_001407960.1); c.2071A>C, p.Lys691Gln (NM_001407964.1, NM_001407740.1, NM_001407741.1 and 20 more transcripts); c.1711A>C, p.Lys571Gln (NM_001407965.1); c.1327A>C, p.Lys443Gln (NM_001407966.1, NM_001407967.1); c.2074A>C, p.Lys692Gln (NM_007297.4, NM_001407692.1, NM_001407694.1 and 29 more transcripts); c.2215A>C, p.Lys739Gln (NM_007300.4, NM_001407581.1, NM_001407582.1 and 30 more transcripts); c.646+1428A>C (NM_001408458.1, NM_001408469.1, NM_001408453.1 and 11 more transcripts); c.283+1428A>C (NM_001408512.1); and 41 more; short protein forms K739Q, K692Q, K611Q, K627Q, K651Q, K672Q, K697Q, K698Q.
Identifiers: ClinVar variation 531240 (VCV000531240.19), dbSNP rs56329598, ClinGen allele CA10597568.

ClinVar aggregate classification (germline): Conflicting classifications of pathogenicity. Review status: criteria provided, conflicting classifications (1 of 4 stars). 6 submissions from 6 submitters: Uncertain significance (2); Likely benign (3). 1 of the submissions does not count toward it. Last evaluated 2024-01-26.

Conditions:
Hereditary cancer-predisposing syndrome. Also called: Hereditary neoplastic syndrome; Tumor predisposition; Neoplastic Syndromes, Hereditary; Hereditary Cancer Syndrome. Identifiers: Orphanet 140162, MedGen C0027672, MeSH D009386, MONDO:0015356.
Hereditary breast ovarian cancer syndrome. Also called: Breast and ovarian cancer; Hereditary breast and/or ovarian cancer syndrome; Hereditary breast and ovarian cancer; Hereditary breast and ovarian cancer syndrome; Hereditary breast and ovarian cancer syndrome (HBOC); BRCA1- and BRCA2-Associated Hereditary Breast and Ovarian Cancer. Identifiers: Orphanet 145, MedGen C0677776, MeSH D061325, MONDO:0003582. Disease mechanism: loss of function.

Submissions (6):

Blueprint Genetics
Classification: Likely benign. Last evaluated: 2024-01-26. Review status: criteria provided, single submitter. Criteria: ACMG Guidelines, 2015. Collection method: clinical testing. Allele origin: germline.

Labcorp Genetics (formerly Invitae), Labcorp
Classification: Uncertain significance for Hereditary breast ovarian cancer syndrome. Last evaluated: 2023-08-27. Review status: criteria provided, single submitter. Criteria: Invitae Variant Classification Sherloc (09022015). Collection method: clinical testing. Allele origin: germline.
Comment: This variant is not present in population databases (gnomAD no frequency). In summary, the available evidence is currently insufficient to determine the role of this variant in disease. Therefore, it has been classified as a Variant of Uncertain Significance. Advanced modeling of protein sequence and biophysical properties (such as structural, functional, and spatial information, amino acid conservation, physicochemical variation, residue mobility, and thermodynamic stability) performed at Invitae indicates that this missense variant is not expected to disrupt BRCA1 protein function. ClinVar contains an entry for this variant (Variation ID: 531240). This variant has not been reported in the literature in individuals affected with BRCA1-related conditions. This sequence change replaces lysine, which is basic and polar, with glutamine, which is neutral and polar, at codon 739 of the BRCA1 protein (p.Lys739Gln).

University of Washington Department of Laboratory Medicine, University of Washington
Classification: Likely benign for Hereditary cancer-predisposing syndrome. Last evaluated: 2023-03-23. Review status: criteria provided, single submitter. Criteria: Dines et al. (Genet Med. 2020). Collection method: curation. Allele origin: germline.
Comment: Missense variant in a coldspot region where missense variants are very unlikely to be pathogenic (PMID:31911673).

BRCA1 coldspot (exon 11 using historical exon numbering). Reclassification based on statistical prior probability

Ambry Genetics
Classification: Likely benign for Hereditary cancer-predisposing syndrome. Last evaluated: 2023-02-15. Review status: criteria provided, single submitter. Criteria: Ambry Variant Classification Scheme 2023. Collection method: clinical testing. Allele origin: germline.

Color Diagnostics, LLC DBA Color Health
Classification: Uncertain significance for Hereditary cancer-predisposing syndrome. Last evaluated: 2019-06-16. Review status: criteria provided, single submitter. Criteria: ACMG Guidelines, 2015. Collection method: clinical testing. Allele origin: germline.

Department of Pathology and Laboratory Medicine, Sinai Health System
Classification: Uncertain significance. Review status: no assertion criteria provided. Collection method: clinical testing. Allele origin: unknown. Affected: yes. Study: The Canadian Open Genetics Repository (COGR). Not counted in ClinVar's aggregate classification.
Comment: The BRCA1 p.Lys739Gln variant was not identified in the literature nor was it identified in the LOVD 3.0, or UMD-LSDB, databases. The variant was identified in dbSNP (ID: rs56329598) as "With Uncertain significance allele", and in ClinVar (classified as uncertain significance by Invitae and Color). The variant was not identified in the following control databases: the Exome Aggregation Consortium (August 8th 2016), or the Genome Aggregation Database (Feb 27, 2017). The p.Lys739 residue is not conserved in mammals and computational analyses (PolyPhen-2, SIFT, AlignGVGD, BLOSUM, MutationTaster) do not suggest a high likelihood of impact to the protein; however, this information is not predictive enough to rule out pathogenicity. The variant occurs outside of the splicing consensus sequence and in silico or computational prediction software programs (SpliceSiteFinder, MaxEntScan, NNSPLICE, GeneSplicer) do not predict a difference in splicing. In summary, based on the above information the clinical significance of this variant cannot be determined with certainty at this time. This variant is classified as a variant of uncertain significance.

Literature cited by the submitters: PubMed 32885271 (cited by Ambry Genetics).